The following is an entry in ClinVar:

NM_001040108.2(MLH3):c.2852G>A (p.Ser951Asn)

Gene: MLH3 (mutL homolog 3; minus strand). Cytogenetic location: 14q24.3.
Variant type: single nucleotide variant.
Coding change: c.2852G>A on transcript NM_001040108.2 (MANE Select); coding-DNA position 2852, G replaced by A.
Protein change: p.Ser951Asn; replaces serine 951 with asparagine.
Molecular consequence: missense variant.
Genome position (GRCh38, 1-based): chr14:75,046,804, C>T on the plus strand (G>A on the coding strand, the complement: MLH3 is on the minus strand). VCF-style: chr14-75046804-C-T. GRCh37 (hg19) VCF-style: chr14-75513507-C-T.
Other names: c.2852G>A, p.Ser951Asn (NM_014381.3); short protein forms S951N.
Identifiers: ClinVar variation 3232501 (VCV003232501.1), dbSNP rs2503259329, ClinGen allele CA390438068.

ClinVar aggregate classification (germline): Uncertain significance (1 of 4 stars; one submission).

Submission:

Ambry Genetics
Classification: Uncertain significance. Last evaluated: 2024-01-16. Review status: criteria provided, single submitter. Criteria: Ambry Variant Classification Scheme 2023. Collection method: clinical testing. Allele origin: germline.
Comment: The p.S951N variant (also known as c.2852G>A), located in coding exon 1 of the MLH3 gene, results from a G to A substitution at nucleotide position 2852. The serine at codon 951 is replaced by asparagine, an amino acid with highly similar properties. This amino acid position is conserved. In addition, this alteration is predicted to be tolerated by in silico analysis. Since supporting evidence is limited at this time, the clinical significance of this alteration remains unclear.